The following is an entry in ClinVar:

ClinVar aggregate classification (germline): Benign. Review status: criteria provided, single submitter (1 of 4 stars). 2 submissions from 2 submitters: Benign (1). 1 of the submissions does not count toward it. Last evaluated 2025-02-24.

Conditions:
FAT2-related disorder. Also called: FAT2-related condition.

Allele frequency attached by ClinVar (database versions not stated): TOPMed 0.00013; gnomAD 0.00059; gnomAD exomes 0.00083; ExAC 0.00209; 1000 Genomes Project 30x 0.00344; 1000 Genomes Project 0.00379.
gnomAD v4.1: 1,321 of 1,614,176 alleles (0.082%); highest among the groups gnomAD compares: South Asian, 1.4%; 23 homozygotes.

Submissions (2):

Labcorp Genetics (formerly Invitae), Labcorp
Classification: Benign. Last evaluated: 2025-02-24. Review status: criteria provided, single submitter. Criteria: Invitae Variant Classification Sherloc (09022015). Collection method: clinical testing. Allele origin: germline.

PreventionGenetics, part of Exact Sciences
Classification: Benign for FAT2-related condition. Last evaluated: 2019-10-31. Review status: no assertion criteria provided. Collection method: clinical testing. Allele origin: germline. Not counted in ClinVar's aggregate classification.
Comment: This variant is classified as benign based on ACMG/AMP sequence variant interpretation guidelines (Richards et al. 2015 PMID: 25741868, with internal and published modifications).

NM_001447.3(FAT2):c.12334A>G (p.Asn4112Asp)

Genes: FAT2 (FAT atypical cadherin 2; minus strand), SLC36A1 (solute carrier family 36 member 1; plus strand). Cytogenetic location: 5q33.1.
Variant type: single nucleotide variant.
Coding change: c.12334A>G on transcript NM_001447.3 (MANE Select); coding-DNA position 12334, A replaced by G.
Protein change: p.Asn4112Asp; replaces asparagine 4112 with aspartic acid.
Molecular consequence: missense variant.
Genome position (GRCh38, 1-based): chr5:151,507,337, T>C on the plus strand (A>G on the coding strand, the complement: FAT2 is on the minus strand). VCF-style: chr5-151507337-T-C. GRCh37 (hg19) VCF-style: chr5-150886898-T-C.
Other names: c.12334A>G (NM_001447.2); short protein forms N4112D.
Identifiers: ClinVar variation 2062197 (VCV002062197.6), dbSNP rs533240264, ClinGen allele CA3519801.